The following is an entry in ClinVar:

ClinVar aggregate classification (germline): Pathogenic (1 of 4 stars; one submission).

Submission:

Labcorp Genetics (formerly Invitae), Labcorp
Classification: Pathogenic. Last evaluated: 2023-04-15. Review status: criteria provided, single submitter. Criteria: Invitae Variant Classification Sherloc (09022015). Collection method: clinical testing. Allele origin: germline.
Comment: This sequence change creates a premature translational stop signal (p.Arg1840Glyfs*13) in the CDH23 gene. It is expected to result in an absent or disrupted protein product. Loss-of-function variants in CDH23 are known to be pathogenic (PMID: 11138009, 21940737). This variant is not present in population databases (gnomAD no frequency). This variant has not been reported in the literature in individuals affected with CDH23-related conditions. For these reasons, this variant has been classified as Pathogenic.

Literature cited by the submitters: PubMed 11138009; PubMed 21940737.

NM_022124.6(CDH23):c.5518del (p.Arg1840fs)

Gene: CDH23 (cadherin related 23; plus strand). Cytogenetic location: 10q22.1.
Variant type: Deletion.
Coding change: c.5518del on transcript NM_022124.6 (MANE Select); coding-DNA position 5518, one base deleted (C; older notation c.5518delC).
Protein change: p.Arg1840fs; shifts the reading frame from arginine 1840.
Molecular consequence: frameshift variant.
Genome position (GRCh38, 1-based): chr10:71,784,906, C deleted; the last of 2 consecutive C bases (chr10:71,784,905-71,784,906); deleting either gives the same sequence. VCF-style (leftmost placement, unchanged base first): chr10-71784904-TC-T. GRCh37 (hg19) VCF-style: chr10-73544661-TC-T.
Other names: short protein forms R1840fs.
Identifiers: ClinVar variation 2856742 (VCV002856742.3), dbSNP rs2494359300, ClinGen allele CA2739275800.